The following is an entry in ClinVar:

NM_001267550.2(TTN):c.77452del (p.Glu25818fs)

Genes: TTN-AS1 (TTN antisense RNA 1; plus strand), TTN (titin; minus strand). Cytogenetic location: 2q31.2.
Variant type: Deletion.
Coding change: c.77452del on transcript NM_001267550.2 (MANE Select); coding-DNA position 77452, one base deleted (G; older notation c.77452delG).
Protein change: p.Glu25818fs; shifts the reading frame from glutamic acid 25818.
Molecular consequence: frameshift variant.
Genome position (GRCh38, 1-based): chr2:178,568,680, C deleted on the plus strand (G on the coding strand, the reverse complement: TTN is on the minus strand). VCF-style (leftmost placement, unchanged base first): chr2-178568679-TC-T. GRCh37 (hg19) VCF-style: chr2-179433406-TC-T.
Other names: c.72529del, p.Glu24177fs (NM_001256850.1); c.50257del, p.Glu16753fs (NM_003319.4); c.69748del, p.Glu23250fs (NM_133378.4); c.50632del, p.Glu16878fs (NM_133432.3); c.50833del, p.Glu16945fs (NM_133437.4); short protein forms E16753fs, E16878fs, E16945fs, E25818fs, E23250fs, E24177fs.
Identifiers: ClinVar variation 1992516 (VCV001992516.4), dbSNP rs2525375259, ClinGen allele CA2580064807.

ClinVar aggregate classification (germline): Likely pathogenic (1 of 4 stars; one submission).

Conditions:
Dilated cardiomyopathy 1G (CMD1G). Identifiers: Orphanet 154, MedGen C1858763, MONDO:0011400, OMIM 604145.
Autosomal recessive limb-girdle muscular dystrophy type 2J (LGMDR10). Also called: Limb-girdle muscular dystrophy, type 2J; MUSCULAR DYSTROPHY, LIMB-GIRDLE, AUTOSOMAL RECESSIVE 10. Identifiers: Orphanet 140922, MedGen C1837342, MONDO:0012127, OMIM 608807.

Submission:

Labcorp Genetics (formerly Invitae), Labcorp
Classification: Likely pathogenic for Dilated cardiomyopathy 1G; Autosomal recessive limb-girdle muscular dystrophy type 2J. Last evaluated: 2022-11-22. Review status: criteria provided, single submitter. Criteria: Invitae Variant Classification Sherloc (09022015). Collection method: clinical testing. Allele origin: germline.
Comment: In summary, the currently available evidence indicates that the variant is pathogenic, but additional data are needed to prove that conclusively. Therefore, this variant has been classified as Likely Pathogenic. This variant is located in the A band of TTN (PMID: 25589632). Truncating variants in this region are significantly overrepresented in patients affected with dilated cardiomyopathy (PMID: 25589632). Truncating variants in this region have also been reported in individuals affected with autosomal recessive centronuclear myopathy (PMID: 23975875). This variant has not been reported in the literature in individuals affected with TTN-related conditions. This variant is not present in population databases (gnomAD no frequency). This sequence change creates a premature translational stop signal (p.Glu25818Lysfs*21) in the TTN gene. While this is not anticipated to result in nonsense mediated decay, it is expected to create a truncated TTN protein.

Literature cited by the submitters: PubMed 25589632; PubMed 23975875.